The following is an entry in ClinVar:

NM_004415.4(DSP):c.1903+3C>T

Gene: DSP (desmoplakin; plus strand). Cytogenetic location: 6p24.3.
Variant type: single nucleotide variant.
Coding change: c.1903+3C>T on transcript NM_004415.4 (MANE Select); 3 bases into the intron after coding-DNA position 1903, C replaced by T.
Molecular consequence: intron variant.
Genome position (GRCh38, 1-based): chr6:7,571,587, C>T. VCF-style: chr6-7571587-C-T. GRCh37 (hg19) VCF-style: chr6-7571820-C-T.
Other names: c.1903+3C>T (NM_001319034.2, NM_001008844.3).
Identifiers: ClinVar variation 923803 (VCV000923803.15), dbSNP rs754326012, ClinGen allele CA030547.
Genomic context (GRCh38, chr6:7,571,587, plus strand): 5'-CAGAAGCATTACCAGACCCTGGTCATTCAGCTCCCTGGCTATCCCCAGCACCAGACAGGT[C>T]GGCTTGGGACATCTTTCTCTTTGTATCAACCATCCATACCATTTTAAAAAGAAGGGAGTT-3'

ClinVar aggregate classification (germline): Conflicting classifications of pathogenicity. Review status: criteria provided, conflicting classifications (1 of 4 stars). 4 submissions from 4 submitters: Uncertain significance (2); Likely benign (2). Last evaluated 2025-04-27.

Conditions:
Arrhythmogenic cardiomyopathy with wooly hair and keratoderma. Also called: PALMOPLANTAR KERATODERMA WITH LEFT VENTRICULAR CARDIOMYOPATHY AND WOOLLY HAIR; Carvajal syndrome; Dilated cardiomyopathy with woolly hair and keratoderma; Arrhythmogenic cardiomyopathy with woolly hair and keratoderma. Identifiers: Orphanet 65282, MedGen C1854063, MONDO:0011581, OMIM 605676.
Cardiovascular phenotype. Identifiers: MedGen CN230736.
Arrhythmogenic right ventricular dysplasia 8 (ARVD8). Also called: Arrhythmogenic Right Ventricular Dysplasia/Cardiomyopathy 8; ARRHYTHMOGENIC RIGHT VENTRICULAR DYSPLASIA, FAMILIAL, 8; ARRHYTHMOGENIC RIGHT VENTRICULAR CARDIOMYOPATHY 8. Identifiers: MedGen C1843896, MONDO:0011831, OMIM 607450.
Cardiomyopathy (CMYO). Also called: Cardiomyopathies. Identifiers: Orphanet 167848, MedGen C0878544, MONDO:0004994, HP:0001638. Inheritance: Various modes of inheritance.

Allele frequency attached by ClinVar (database versions not stated): TOPMed below 0.00001; ExAC 0.00001.
gnomAD v4.1: 17 of 1,614,052 alleles (0.0011%); highest among the groups gnomAD compares: East Asian, 0.0089%; no homozygotes.

Submissions (4):

Labcorp Genetics (formerly Invitae), Labcorp
Classification: Uncertain significance for Arrhythmogenic cardiomyopathy with wooly hair and keratoderma; Arrhythmogenic right ventricular dysplasia 8. Last evaluated: 2025-04-27. Review status: criteria provided, single submitter. Criteria: Invitae Variant Classification Sherloc (09022015). Collection method: clinical testing. Allele origin: germline.
Comment: This sequence change falls in intron 14 of the DSP gene. It does not directly change the encoded amino acid sequence of the DSP protein. It affects a nucleotide within the consensus splice site. This variant is present in population databases (rs754326012, gnomAD 0.002%). This variant has not been reported in the literature in individuals affected with DSP-related conditions. ClinVar contains an entry for this variant (Variation ID: 923803). Variants that disrupt the consensus splice site are a relatively common cause of aberrant splicing (PMID: 17576681, 9536098). Algorithms developed to predict the effect of sequence changes on RNA splicing suggest that this variant is not likely to affect RNA splicing. In summary, the available evidence is currently insufficient to determine the role of this variant in disease. Therefore, it has been classified as a Variant of Uncertain Significance.

All of Us Research Program, National Institutes of Health
Classification: Likely benign for Arrhythmogenic cardiomyopathy with wooly hair and keratoderma. Last evaluated: 2023-06-26. Review status: criteria provided, single submitter. Criteria: ACMG Guidelines, 2015. Collection method: clinical testing. Allele origin: germline. Inheritance: Autosomal dominant inheritance. Observed: 1 variant allele, 1 heterozygote.
Comment: This study involves interpretation of variants in research participants for the purpose of population health screening. Participant phenotype was not available at the time of variant classification. Additional details can be found in publication PMID: 35346344, PMCID: PMC8962531

Ambry Genetics
Classification: Uncertain significance for Cardiovascular phenotype. Last evaluated: 2022-01-10. Review status: criteria provided, single submitter. Criteria: Ambry Variant Classification Scheme 2023. Collection method: clinical testing. Allele origin: germline.
Comment: The c.1903+3C>T intronic variant results from a C to T substitution 3 nucleotides after coding exon 14 in the DSP gene. This nucleotide position is poorly conserved in available vertebrate species. In silico splice site analysis predicts that this alteration will not have any significant effect on splicing. Since supporting evidence is limited at this time, the clinical significance of this alteration remains unclear.

Color Diagnostics, LLC DBA Color Health
Classification: Likely benign for Cardiomyopathy. Last evaluated: 2019-02-16. Review status: criteria provided, single submitter. Criteria: ACMG Guidelines, 2015. Collection method: clinical testing. Allele origin: germline.

Literature cited by the submitters: PubMed 17576681 (cited by Labcorp Genetics (formerly Invitae), Labcorp); PubMed 9536098 (cited by Labcorp Genetics (formerly Invitae), Labcorp).